The following is an entry in ClinVar:

NM_005529.7(HSPG2):c.965C>T (p.Pro322Leu)

Gene: HSPG2 (heparan sulfate proteoglycan 2; minus strand). Cytogenetic location: 1p36.12.
Variant type: single nucleotide variant.
Coding change: c.965C>T on transcript NM_005529.7 (MANE Select); coding-DNA position 965, C replaced by T.
Protein change: p.Pro322Leu; replaces proline 322 with leucine.
Molecular consequence: missense variant.
Genome position (GRCh38, 1-based): chr1:21,887,328, G>A on the plus strand (C>T on the coding strand, the complement: HSPG2 is on the minus strand). VCF-style: chr1-21887328-G-A. GRCh37 (hg19) VCF-style: chr1-22213821-G-A.
Other names: c.965C>T, p.Pro322Leu (NM_001291860.2); short protein forms P322L.
Identifiers: ClinVar variation 1423428 (VCV001423428.9), dbSNP rs115267963, ClinGen allele CA673625.

ClinVar aggregate classification (germline): Uncertain significance. Review status: criteria provided, multiple submitters, no conflicts (2 of 4 stars). 4 submissions from 4 submitters: Uncertain significance (4). Last evaluated 2022-07-05.

Conditions:
Inborn genetic diseases. Identifiers: MedGen C0950123, MeSH D030342.

Allele frequency attached by ClinVar (database versions not stated): gnomAD exomes 0.00010 and 0.00005; ExAC 0.00014; gnomAD 0.00030 and 0.00032; TOPMed 0.00034; ESP Exome Variant Server 0.00038; 1000 Genomes Project 30x 0.00047; 1000 Genomes Project 0.00060.
gnomAD v4.1: 125 of 1,613,992 alleles (0.0077%); highest among the groups gnomAD compares: African/African-American, 0.089%; no homozygotes.

Submissions (4):

Labcorp Genetics (formerly Invitae), Labcorp
Classification: Uncertain significance. Last evaluated: 2022-07-05. Review status: criteria provided, single submitter. Criteria: Invitae Variant Classification Sherloc (09022015). Collection method: clinical testing. Allele origin: germline.
Comment: This sequence change replaces proline, which is neutral and non-polar, with leucine, which is neutral and non-polar, at codon 322 of the HSPG2 protein (p.Pro322Leu). This variant is present in population databases (rs115267963, gnomAD 0.1%). This variant has not been reported in the literature in individuals affected with HSPG2-related conditions. ClinVar contains an entry for this variant (Variation ID: 1423428). Algorithms developed to predict the effect of missense changes on protein structure and function (SIFT, PolyPhen-2, Align-GVGD) all suggest that this variant is likely to be tolerated. In summary, the available evidence is currently insufficient to determine the role of this variant in disease. Therefore, it has been classified as a Variant of Uncertain Significance.

Ambry Genetics
Classification: Uncertain significance for Inborn genetic diseases. Last evaluated: 2021-08-12. Review status: criteria provided, single submitter. Criteria: Ambry Variant Classification Scheme 2023. Collection method: clinical testing. Allele origin: germline.

AiLife Diagnostics
Classification: Uncertain significance. Last evaluated: 2020-07-21. Review status: criteria provided, single submitter. Criteria: ACMG Guidelines, 2015. Collection method: clinical testing. Allele origin: germline. Affected: yes. Observed: 1 variant allele.

Revvity Omics, Revvity
Classification: Uncertain significance. Last evaluated: 2020-02-21. Review status: criteria provided, single submitter. Criteria: ACMG Guidelines, 2015. Collection method: clinical testing. Allele origin: germline.